The following is an entry in ClinVar:

NM_003126.4(SPTA1):c.5245C>T (p.Gln1749Ter)

Gene: SPTA1 (spectrin alpha, erythrocytic 1; minus strand). Cytogenetic location: 1q23.1.
Variant type: single nucleotide variant.
Coding change: c.5245C>T on transcript NM_003126.4 (MANE Select); coding-DNA position 5245, C replaced by T.
Protein change: p.Gln1749Ter; replaces glutamine 1749 with a stop codon.
Molecular consequence: nonsense.
Genome position (GRCh38, 1-based): chr1:158,636,706, G>A on the plus strand (C>T on the coding strand, the complement: SPTA1 is on the minus strand). VCF-style: chr1-158636706-G-A. GRCh37 (hg19) VCF-style: chr1-158606496-G-A.
Other names: short protein forms Q1749*.
Identifiers: ClinVar variation 2847170 (VCV002847170.3), dbSNP rs2526378629, ClinGen allele CA343027282.

ClinVar aggregate classification (germline): Pathogenic (1 of 4 stars; one submission).

Submission:

Labcorp Genetics (formerly Invitae), Labcorp
Classification: Pathogenic. Last evaluated: 2023-06-16. Review status: criteria provided, single submitter. Criteria: Invitae Variant Classification Sherloc (09022015). Collection method: clinical testing. Allele origin: germline.
Comment: For these reasons, this variant has been classified as Pathogenic. This variant has not been reported in the literature in individuals affected with SPTA1-related conditions. This variant is not present in population databases (gnomAD no frequency). This sequence change creates a premature translational stop signal (p.Gln1749*) in the SPTA1 gene. It is expected to result in an absent or disrupted protein product. Loss-of-function variants in SPTA1 are known to be pathogenic (PMID: 9192783, 18815189, 31333484, 31723846, 32266426).

Literature cited by the submitters: PubMed 9192783; PubMed 18815189; PubMed 31333484; PubMed 31723846; PubMed 32266426.